The following is an entry in ClinVar:

ClinVar aggregate classification (germline): Uncertain significance (1 of 4 stars; one submission).

gnomAD v4.1: 29 of 1,614,056 alleles (0.0018%); highest among the groups gnomAD compares: East Asian, 0.0045%; no homozygotes.

Submission:

Labcorp Genetics (formerly Invitae), Labcorp
Classification: Uncertain significance. Last evaluated: 2025-07-29. Review status: criteria provided, single submitter. Criteria: Invitae Variant Classification Sherloc (09022015). Collection method: clinical testing. Allele origin: germline.
Comment: This sequence change replaces valine, which is neutral and non-polar, with isoleucine, which is neutral and non-polar, at codon 1095 of the ARHGEF10 protein (p.Val1095Ile). This variant is present in population databases (rs776440131, gnomAD 0.007%). This variant has not been reported in the literature in individuals affected with ARHGEF10-related conditions. Invitae Evidence Modeling of protein sequence and biophysical properties (such as structural, functional, and spatial information, amino acid conservation, physicochemical variation, residue mobility, and thermodynamic stability) indicates that this missense variant is not expected to disrupt ARHGEF10 protein function with a negative predictive value of 80%. In summary, the available evidence is currently insufficient to determine the role of this variant in disease. Therefore, it has been classified as a Variant of Uncertain Significance.

NM_014629.4(ARHGEF10):c.3283G>A (p.Val1095Ile)

Gene: ARHGEF10 (Rho guanine nucleotide exchange factor 10; plus strand). Cytogenetic location: 8p23.3.
Variant type: single nucleotide variant.
Coding change: c.3283G>A on transcript NM_014629.4 (MANE Select); coding-DNA position 3283, G replaced by A.
Protein change: p.Val1095Ile; replaces valine 1095 with isoleucine.
Molecular consequence: missense variant.
Genome position (GRCh38, 1-based): chr8:1,945,541, G>A. VCF-style: chr8-1945541-G-A. GRCh37 (hg19) VCF-style: chr8-1893707-G-A.
Other names: c.3169G>A, p.Val1057Ile (NM_001308152.2, NM_001438094.1); c.3283G>A, p.Val1095Ile (NM_001308153.3); c.3286G>A, p.Val1096Ile (NM_001438091.1); c.3166G>A, p.Val1056Ile (NM_001438092.1, NM_001438093.1); short protein forms V1057I, V1095I, V1096I, V1056I, V1119I.
Identifiers: ClinVar variation 4696485 (VCV004696485.1).